The following is an entry in ClinVar:

NM_032638.5(GATA2):c.40C>T (p.Pro14Ser)

Gene: GATA2 (GATA binding protein 2; minus strand). Cytogenetic location: 3q21.3.
Variant type: single nucleotide variant.
Coding change: c.40C>T on transcript NM_032638.5 (MANE Select); coding-DNA position 40, C replaced by T.
Protein change: p.Pro14Ser; replaces proline 14 with serine.
Molecular consequence: missense variant.
Genome position (GRCh38, 1-based): chr3:128,486,992, G>A on the plus strand (C>T on the coding strand, the complement: GATA2 is on the minus strand). VCF-style: chr3-128486992-G-A. GRCh37 (hg19) VCF-style: chr3-128205835-G-A.
Other names: c.40C>T, p.Pro14Ser (NM_001145661.2, NM_001145662.1); short protein forms P14S.
Identifiers: ClinVar variation 652354 (VCV000652354.12), dbSNP rs749214277, ClinGen allele CA2600119.

ClinVar aggregate classification (germline): Conflicting classifications of pathogenicity. Review status: criteria provided, conflicting classifications (1 of 4 stars). 3 submissions from 3 submitters: Uncertain significance (1); Likely benign (2). Last evaluated 2025-10-27.

Conditions:
Deafness-lymphedema-leukemia syndrome. Also called: Lymphedema, primary, with myelodysplasia; Emberger syndrome. Identifiers: Orphanet 3226, MedGen C3279664, MONDO:0013540, OMIM 614038.
Monocytopenia with susceptibility to infections. Also called: MONOCYTOPENIA AND MYCOBACTERIAL INFECTION SYNDROME; MONOCYTOPENIA WITH SUSCEPTIBILITY TO MYCOBACTERIAL, FUNGAL, AND PAPILLOMAVIRUS INFECTIONS AND MYELODYSPLASIA; COMBINED IMMUNODEFICIENCY WITH SUSCEPTIBILITY TO MYCOBACTERIAL, VIRAL, AND FUNGAL INFECTIONS; Dendritic cell, monocyte, B lymphocyte, and natural killer lymphocyte deficiency; GATA2 DEFICIENCY; IMMUNODEFICIENCY 21. Identifiers: Orphanet 228423, MedGen C3280030, MONDO:0013607, OMIM 614172.

Allele frequency attached by ClinVar (database versions not stated): gnomAD 0.00001 and 0.00002; TOPMed 0.00001; ExAC 0.00003; gnomAD exomes 0.00003 and 0.00005.
gnomAD v4.1: 48 of 1,606,562 alleles (0.003%); highest among the groups gnomAD compares: South Asian, 0.02%; 2 homozygotes.

Submissions (3):

Labcorp Genetics (formerly Invitae), Labcorp
Classification: Likely benign for Monocytopenia with susceptibility to infections; Deafness-lymphedema-leukemia syndrome. Last evaluated: 2025-10-27. Review status: criteria provided, single submitter. Criteria: Invitae Variant Classification Sherloc (09022015). Collection method: clinical testing. Allele origin: germline.

Blueprint Genetics
Classification: Likely benign. Last evaluated: 2024-09-04. Review status: criteria provided, single submitter. Criteria: ACMG Guidelines, 2015. Collection method: clinical testing. Allele origin: germline.

GeneDx
Classification: Uncertain significance. Last evaluated: 2023-11-16. Review status: criteria provided, single submitter. Criteria: GeneDx Variant Classification Process June 2021. Collection method: clinical testing. Allele origin: germline. Affected: yes.
Comment: In silico analysis supports that this missense variant has a deleterious effect on protein structure/function; Observed in an individual with aplastic anemia as well as an unaffected sibling (PMID: 35140362); This variant is associated with the following publications: (PMID: 35140362, 32682410)